The following is an entry in ClinVar:

ClinVar aggregate classification (germline): Uncertain significance (1 of 4 stars; one submission).

Conditions:
Ehlers-Danlos syndrome, kyphoscoliotic type, 2. Also called: Ehlers-Danlos syndrome with progressive kyphoscoliosis, myopathy, and hearing loss; Ehlers-Danlos syndrome, kyphoscoliotic and deafness type; FKBP14-Kyphoscoliotic Ehlers-Danlos Syndrome. Identifiers: Orphanet 300179, MedGen C3281160, MONDO:0013800, OMIM 614557.

Submission:

Labcorp Genetics (formerly Invitae), Labcorp
Classification: Uncertain significance for Ehlers-Danlos syndrome, kyphoscoliotic type, 2. Last evaluated: 2021-02-25. Review status: criteria provided, single submitter. Criteria: Invitae Variant Classification Sherloc (09022015). Collection method: clinical testing. Allele origin: germline.
Comment: This variant disrupts the C-terminus of the FKBP14 protein. Other variant(s) that disrupt this region (p.Glu191del) have been observed in individuals with FKBP14-related conditions (PMID: 27149304). This suggests that this may be a clinically significant region of the protein. This variant has not been reported in the literature in individuals with FKBP14-related conditions. This variant is not present in population databases (ExAC no frequency). This sequence change creates a premature translational stop signal (p.Ser156*) in the FKBP14 gene. While this is not anticipated to result in nonsense mediated decay, it is expected to disrupt the last 56 amino acid(s) of the FKBP14 protein. In summary, the available evidence is currently insufficient to determine the role of this variant in disease. Therefore, it has been classified as a Variant of Uncertain Significance.

Literature cited by the submitters: PubMed 27149304.

NM_017946.4(FKBP14):c.467_469del (p.Ser156_Lys157delinsTer)

Genes: FKBP14 (FKBP prolyl isomerase 14; minus strand), FKBP14-AS1 (FKBP14 antisense RNA 1; plus strand). Cytogenetic location: 7p14.3.
Variant type: Deletion.
Coding change: c.467_469del on transcript NM_017946.4 (MANE Select); coding-DNA positions 467 to 469, 3 bases deleted (CTA; older notation c.467_469delCTA).
Protein change: p.Ser156_Lys157delinsTer.
Molecular consequence: nonsense. On other transcripts: non-coding transcript variant (2).
Genome position (GRCh38, 1-based): chr7:30,019,004-30,019,006, TAG deleted on the plus strand (CTA on the coding strand, the reverse complement: FKBP14 is on the minus strand). VCF-style (leftmost placement, unchanged base first): chr7-30019003-TTAG-T. GRCh37 (hg19) VCF-style: chr7-30058619-TTAG-T.
Identifiers: ClinVar variation 1375881 (VCV001375881.8), dbSNP rs2127948247, ClinGen allele CA2573142046.
Genomic context (GRCh38, chr7:30,019,003, plus strand): 5'-CCCCAAACAACCAAAGAAAAGTAGAAAGAGGAGTAGGAAGAAGGAAAGGTCACCTCATCT[TTAG>T]AGAGTTTCCAGTCATCATTAAGATCCATTTCTTGGAATGATTCATGGGATCTTGGTCCAT-3'